The following is an entry in ClinVar:

ClinVar aggregate classification (germline): Pathogenic (1 of 4 stars; one submission).

Submission:

Labcorp Genetics (formerly Invitae), Labcorp
Classification: Pathogenic. Last evaluated: 2023-07-16. Review status: criteria provided, single submitter. Criteria: Invitae Variant Classification Sherloc (09022015). Collection method: clinical testing. Allele origin: germline.
Comment: For these reasons, this variant has been classified as Pathogenic. This variant has not been reported in the literature in individuals affected with UNC80-related conditions. This variant is not present in population databases (gnomAD no frequency). This sequence change creates a premature translational stop signal (p.Glu3149*) in the UNC80 gene. It is expected to result in an absent or disrupted protein product. Loss-of-function variants in UNC80 are known to be pathogenic (PMID: 26545877, 26708751, 26708753).

Literature cited by the submitters: PubMed 26545877; PubMed 26708751; PubMed 26708753.

NM_001371986.1(UNC80):c.9643G>T (p.Glu3215Ter)

Gene: UNC80 (unc-80 subunit of NALCN channel complex; plus strand). Cytogenetic location: 2q34.
Variant type: single nucleotide variant.
Coding change: c.9643G>T on transcript NM_001371986.1 (MANE Select); coding-DNA position 9643, G replaced by T.
Protein change: p.Glu3215Ter; replaces glutamic acid 3215 with a stop codon.
Molecular consequence: nonsense.
Genome position (GRCh38, 1-based): chr2:209,994,199, G>T. VCF-style: chr2-209994199-G-T. GRCh37 (hg19) VCF-style: chr2-210858923-G-T.
Other names: c.9445G>T, p.Glu3149Ter (NM_032504.2); c.9373G>T, p.Glu3125Ter (NM_182587.4); short protein forms E3149*, E3125*, E3215*.
Identifiers: ClinVar variation 2841903 (VCV002841903.3), dbSNP rs982121969, ClinGen allele CA350415965.